The following is an entry in ClinVar:

NM_058195.4(CDKN2A):c.193+1del

Gene: CDKN2A (cyclin dependent kinase inhibitor 2A; minus strand). Cytogenetic location: 9p21.3.
Variant type: Deletion.
Coding change: c.193+1del on transcript NM_058195.4 (MANE Plus Clinical); the canonical splice donor site of the intron after coding-DNA position 193, one base deleted (G; older notation c.193+1delG).
Molecular consequence: splice donor variant. On other transcripts: intron variant (1).
Genome position (GRCh38, 1-based): chr9:21,994,138, C deleted on the plus strand (G on the coding strand, the reverse complement: CDKN2A is on the minus strand); the first of 2 consecutive C bases (chr9:21,994,138-21,994,139); deleting either gives the same sequence. VCF-style (leftmost placement, unchanged base first): chr9-21994137-AC-A. GRCh37 (hg19) VCF-style: chr9-21994136-AC-A.
Other names: c.193+1del (NM_058195.3); c.-4+683del (NM_001363763.2).
Identifiers: ClinVar variation 969967 (VCV000969967.10), dbSNP rs1820525500, ClinGen allele CA1139660901.

ClinVar aggregate classification (germline): Likely pathogenic. Review status: criteria provided, multiple submitters, no conflicts (2 of 4 stars). 3 submissions from 3 submitters: Likely pathogenic (3). Last evaluated 2021-11-12.

Conditions:
Hereditary cancer-predisposing syndrome. Also called: Tumor predisposition; Neoplastic Syndromes, Hereditary; Hereditary neoplastic syndrome; Hereditary Cancer Syndrome. Identifiers: Orphanet 140162, MedGen C0027672, MeSH D009386, MONDO:0015356.
Familial melanoma. Also called: Hereditary melanoma; Hereditary cutaneous melanoma. Identifiers: Orphanet 618, MedGen C1512419, MONDO:0018961.

Submissions (3):

Ambry Genetics
Classification: Likely pathogenic for Hereditary cancer-predisposing syndrome. Last evaluated: 2021-11-12. Review status: criteria provided, single submitter. Criteria: Ambry Variant Classification Scheme 2023. Collection method: clinical testing. Allele origin: germline.
Comment: The c.193+1delG intronic variant, located in intron 1 of the CDKN2A gene, results from a deletion of one nucleotide within intron 1 of the CDKN2A gene. This nucleotide position is highly conserved in available vertebrate species. Alterations at the last nucleotide, +1, and +3 positions impacting the same donor site have been described to result in aberrant splicing (Harland et al. Oncogene 2005 Jun;24(28):4604-8). There are multiple variants at this splice donor site that are found recurrently in families with familial melanoma and have been found to segregate with disease in those families (Ambry internal data; Pedace L et al. Cancer Epidemiol, 2011 Dec;35:e116-20; Djursby M et al. Ugeskr. Laeg., 2014 Sep;176:; Wadt KA et al. PLoS ONE, 2015 Mar;10:e0122662; Harland M et al. Oncogene, 2005 Jun;24:4604-8; Hewitt C et al. Hum. Mol. Genet., 2002 May;11:1273-9; Taylor NJ et al. J. Invest. Dermatol., 2017 12;137:2606-2612; Binni F et al. Clin. Genet., 2010 Jun;77:581-6). This variant is considered to be rare based on population cohorts in the Genome Aggregation Database (gnomAD). In silico splice site analysis predicts that this alteration will weaken the native splice donor site. Based on the majority of available evidence to date, this variant is likely to be pathogenic.

Labcorp Genetics (formerly Invitae), Labcorp
Classification: Likely pathogenic for Familial melanoma. Last evaluated: 2021-07-14. Review status: criteria provided, single submitter. Criteria: Invitae Variant Classification Sherloc (09022015). Collection method: clinical testing. Allele origin: germline.

Quest Diagnostics Nichols Institute San Juan Capistrano
Classification: Likely pathogenic. Last evaluated: 2020-01-02. Review status: criteria provided, single submitter. Criteria: Quest Diagnostics criteria. Collection method: clinical testing. Allele origin: unknown.
Comment: The variant disrupts a canonical splice site, and is therefore predicted to result in the loss of a functional protein. Not found in the total gnomAD dataset, and the data is high quality.

Literature cited by the submitters: PubMed 15856016 (cited by Ambry Genetics); PubMed 20132244 (cited by Ambry Genetics); PubMed 21893440 (cited by Ambry Genetics); PubMed 25294512 (cited by Ambry Genetics); PubMed 25803691 (cited by Ambry Genetics).